The following is an entry in ClinVar:

ClinVar aggregate classification (germline): Uncertain significance (1 of 4 stars; one submission).

Submission:

Ambry Genetics
Classification: Uncertain significance. Last evaluated: 2023-02-20. Review status: criteria provided, single submitter. Criteria: Ambry Variant Classification Scheme 2023. Collection method: clinical testing. Allele origin: germline.
Comment: The p.K1960R variant (also known as c.5879A>G), located in coding exon 43 of the PRKDC gene, results from an A to G substitution at nucleotide position 5879. The lysine at codon 1960 is replaced by arginine, an amino acid with highly similar properties. This amino acid position is conserved. Since supporting evidence is limited at this time, the clinical significance of this alteration remains unclear.

NM_006904.7(PRKDC):c.5879A>G (p.Lys1960Arg)

Gene: PRKDC (protein kinase, DNA-activated, catalytic subunit; minus strand). Cytogenetic location: 8q11.21.
Variant type: single nucleotide variant.
Coding change: c.5879A>G on transcript NM_006904.7 (MANE Select); coding-DNA position 5879, A replaced by G.
Protein change: p.Lys1960Arg; replaces lysine 1960 with arginine.
Molecular consequence: missense variant.
Genome position (GRCh38, 1-based): chr8:47,862,413, T>C on the plus strand (A>G on the coding strand, the complement: PRKDC is on the minus strand). VCF-style: chr8-47862413-T-C. GRCh37 (hg19) VCF-style: chr8-48774974-T-C.
Other names: c.5879A>G, p.Lys1960Arg (NM_001081640.2); short protein forms K1960R.
Identifiers: ClinVar variation 2497379 (VCV002497379.2), dbSNP rs2551870676, ClinGen allele CA371162256.